The following is an entry in ClinVar:

ClinVar aggregate classification (germline): Uncertain significance (1 of 4 stars; one submission).

Allele frequency attached by ClinVar (database versions not stated): gnomAD 0.00001; TOPMed 0.00001; ExAC 0.00003; ESP Exome Variant Server 0.00008.
gnomAD v4.1: 24 of 1,586,182 alleles (0.0015%); highest among the groups gnomAD compares: Non-Finnish European, 0.0019%; no homozygotes.

Submission:

Labcorp Genetics (formerly Invitae), Labcorp
Classification: Uncertain significance. Last evaluated: 2023-06-15. Review status: criteria provided, single submitter. Criteria: Invitae Variant Classification Sherloc (09022015). Collection method: clinical testing. Allele origin: germline.
Comment: Algorithms developed to predict the effect of sequence changes on RNA splicing suggest that this variant may create or strengthen a splice site. This variant has not been reported in the literature in individuals affected with TBCK-related conditions. This variant is present in population databases (rs375699930, gnomAD 0.007%). This sequence change falls in intron 12 of the TBCK gene. It does not directly change the encoded amino acid sequence of the TBCK protein. In summary, the available evidence is currently insufficient to determine the role of this variant in disease. Therefore, it has been classified as a Variant of Uncertain Significance.

NM_001163435.3(TBCK):c.1170+10A>G

Gene: TBCK (TBC1 domain containing kinase; minus strand). Cytogenetic location: 4q24.
Variant type: single nucleotide variant.
Coding change: c.1170+10A>G on transcript NM_001163435.3 (MANE Select); 10 bases into the intron after coding-DNA position 1170, A replaced by G.
Molecular consequence: intron variant.
Genome position (GRCh38, 1-based): chr4:106,242,460, T>C on the plus strand (A>G on the coding strand, the complement: TBCK is on the minus strand). VCF-style: chr4-106242460-T-C. GRCh37 (hg19) VCF-style: chr4-107163617-T-C.
Other names: c.1170+10A>G (NM_001163436.4); c.981+10A>G (NM_033115.5); c.1053+10A>G (NM_001163437.3); c.654+10A>G (NM_001290768.2).
Identifiers: ClinVar variation 2975727 (VCV002975727.1), dbSNP rs375699930, ClinGen allele CA3035169.